The following is an entry in ClinVar:

ClinVar aggregate classification (germline): Conflicting classifications of pathogenicity. Review status: criteria provided, conflicting classifications (1 of 4 stars). 7 submissions from 7 submitters: Uncertain significance (2); Likely benign (4). 1 of the submissions does not count toward it. Last evaluated 2025-11-01.

Conditions:
Inborn genetic diseases. Identifiers: MedGen C0950123, MeSH D030342.
Retinal dystrophy. Also called: Inherited retinal dystrophy. Identifiers: Orphanet 71862, MedGen C0854723, MeSH D058499, MONDO:0019118, HP:0000556.
Ataxia - intellectual disability - oculomotor apraxia - cerebellar cysts syndrome. Also called: Poretti-Boltshauser syndrome. Identifiers: Orphanet 370022, MedGen C4014821, MONDO:0014419, OMIM 615960.

Allele frequency attached by ClinVar (database versions not stated): 1000 Genomes Project 30x 0.00016; 1000 Genomes Project 0.00020; ExAC 0.00052; ESP Exome Variant Server 0.00062; gnomAD exomes 0.00066 and 0.00156; gnomAD 0.00092 and 0.00094; TOPMed 0.00094.

Submissions (7):

CeGaT Center for Human Genetics Tuebingen
Classification: Likely benign. Last evaluated: 2025-11-01. Review status: criteria provided, single submitter. Criteria: CeGaT Center For Human Genetics Tuebingen Variant Classification Criteria Version 2. Collection method: clinical testing. Allele origin: germline. Affected: yes. Observed: 3 variant alleles.
Comment: LAMA1: BP4

Mayo Clinic Laboratories, Mayo Clinic
Classification: Likely benign. Last evaluated: 2025-10-10. Review status: criteria provided, single submitter. Criteria: ACMG Guidelines, 2015. Collection method: clinical testing. Allele origin: germline. Observed: 1 variant allele.
Comment: BS1

Blueprint Genetics
Classification: Likely benign. Last evaluated: 2024-11-21. Review status: criteria provided, single submitter. Criteria: ACMG Guidelines, 2015. Collection method: clinical testing. Allele origin: germline.

Revvity Omics, Revvity
Classification: Uncertain significance for Ataxia - intellectual disability - oculomotor apraxia - cerebellar cysts syndrome. Last evaluated: 2022-11-02. Review status: criteria provided, single submitter. Criteria: ACMG Guidelines, 2015. Collection method: clinical testing. Allele origin: germline.

Labcorp Genetics (formerly Invitae), Labcorp
Classification: Uncertain significance. Last evaluated: 2022-09-27. Review status: criteria provided, single submitter. Criteria: Invitae Variant Classification Sherloc (09022015). Collection method: clinical testing. Allele origin: germline.
Comment: This sequence change replaces lysine, which is basic and polar, with threonine, which is neutral and polar, at codon 2086 of the LAMA1 protein (p.Lys2086Thr). This variant is present in population databases (rs142934543, gnomAD 0.1%), including at least one homozygous and/or hemizygous individual. This variant has not been reported in the literature in individuals affected with LAMA1-related conditions. ClinVar contains an entry for this variant (Variation ID: 493227). Advanced modeling of protein sequence and biophysical properties (such as structural, functional, and spatial information, amino acid conservation, physicochemical variation, residue mobility, and thermodynamic stability) performed at Invitae indicates that this missense variant is expected to disrupt LAMA1 protein function. In summary, the available evidence is currently insufficient to determine the role of this variant in disease. Therefore, it has been classified as a Variant of Uncertain Significance.

Ambry Genetics
Classification: Likely benign for Inborn genetic diseases. Last evaluated: 2022-01-07. Review status: criteria provided, single submitter. Criteria: Ambry Variant Classification Scheme 2023. Collection method: clinical testing. Allele origin: germline.

Institute of Human Genetics, Univ. Regensburg, Univ. Regensburg
Classification: Uncertain significance for Retinal dystrophy. Last evaluated: 2022-01-01. Review status: no assertion criteria provided. Criteria: ACMG Guidelines, 2015. Collection method: clinical testing. Allele origin: germline. Affected: yes. Not counted in ClinVar's aggregate classification.

NM_005559.4(LAMA1):c.6257A>C (p.Lys2086Thr)

Gene: LAMA1 (laminin subunit alpha 1; minus strand). Cytogenetic location: 18p11.31.
Variant type: single nucleotide variant.
Coding change: c.6257A>C on transcript NM_005559.4 (MANE Select); coding-DNA position 6257, A replaced by C.
Protein change: p.Lys2086Thr; replaces lysine 2086 with threonine.
Molecular consequence: missense variant.
Genome position (GRCh38, 1-based): chr18:6,977,815, T>G on the plus strand (A>C on the coding strand, the complement: LAMA1 is on the minus strand). VCF-style: chr18-6977815-T-G. GRCh37 (hg19) VCF-style: chr18-6977814-T-G.
Other names: p.Lys2086Thr; c.6257A>C (NM_005559.3); short protein forms K2086T.
Identifiers: ClinVar variation 493227 (VCV000493227.51), dbSNP rs142934543, ClinGen allele CA8881299.